The following is an entry in ClinVar:

NM_000274.4(OAT):c.49G>C (p.Gly17Arg)

Gene: OAT (ornithine aminotransferase; minus strand). Cytogenetic location: 10q26.13.
Variant type: single nucleotide variant.
Coding change: c.49G>C on transcript NM_000274.4 (MANE Select); coding-DNA position 49, G replaced by C.
Protein change: p.Gly17Arg; replaces glycine 17 with arginine.
Molecular consequence: missense variant. On other transcripts: intron variant (2).
Genome position (GRCh38, 1-based): chr10:124,412,123, C>G on the plus strand (G>C on the coding strand, the complement: OAT is on the minus strand). VCF-style: chr10-124412123-C-G. GRCh37 (hg19) VCF-style: chr10-126100692-C-G.
Other names: c.49G>C, p.Gly17Arg (NM_001322965.2, NM_001322966.2, NM_001322967.2 and 4 more transcripts); c.-215-3158G>C (NM_001171814.2); c.-515-3158G>C (NM_001322974.2); short protein forms G17R.
Identifiers: ClinVar variation 1359620 (VCV001359620.5), dbSNP rs760716065, ClinGen allele CA378638282.

ClinVar aggregate classification (germline): Uncertain significance (1 of 4 stars; one submission).

Conditions:
Ornithine aminotransferase deficiency (GACR). Also called: HYPERORNITHINEMIA WITH GYRATE ATROPHY OF CHOROID AND RETINA; Ornithine ketoacid aminotransferase deficiency; Gyrate atrophy; Gyrate atrophy of choroid and retina; Girate atrophy of the retina; OAT DEFICIENCY. Identifiers: Orphanet 414, MedGen C0018425, MONDO:0009796, OMIM 258870.

gnomAD v4.1: 3 of 1,614,018 alleles (0.00019%); highest among the groups gnomAD compares: Non-Finnish European, 0.00025%; no homozygotes.

Submission:

Labcorp Genetics (formerly Invitae), Labcorp
Classification: Uncertain significance for Ornithine aminotransferase deficiency. Last evaluated: 2021-09-30. Review status: criteria provided, single submitter. Criteria: Invitae Variant Classification Sherloc (09022015). Collection method: clinical testing. Allele origin: germline.
Comment: This sequence change replaces glycine with arginine at codon 17 of the OAT protein (p.Gly17Arg). The glycine residue is moderately conserved and there is a moderate physicochemical difference between glycine and arginine. This variant is not present in population databases (ExAC no frequency). This variant has not been reported in the literature in individuals with OAT-related conditions. Algorithms developed to predict the effect of missense changes on protein structure and function are either unavailable or do not agree on the potential impact of this missense change (SIFT: "Deleterious"; PolyPhen-2: "Benign"; Align-GVGD: "Class C0"). In summary, the available evidence is currently insufficient to determine the role of this variant in disease. Therefore, it has been classified as a Variant of Uncertain Significance.